The following is an entry in ClinVar:

ClinVar aggregate classification (germline): Benign (0 of 4 stars; one submission).

Conditions:
CDH4-related disorder. Also called: CDH4-related condition.

Allele frequency attached by ClinVar (database versions not stated): 1000 Genomes Project 30x 0.15959; 1000 Genomes Project 0.16134; TOPMed 0.18037; gnomAD 0.18459; ESP Exome Variant Server 0.18713; ExAC 0.21794; gnomAD exomes 0.23135.
gnomAD v4.1: 365,212 of 1,608,810 alleles (23%); highest among the groups gnomAD compares: Middle Eastern, 29%; 43,291 homozygotes.

Submission:

PreventionGenetics, part of Exact Sciences
Classification: Benign for CDH4-related condition. Last evaluated: 2019-10-17. Review status: no assertion criteria provided. Collection method: clinical testing. Allele origin: germline.
Comment: This variant is classified as benign based on ACMG/AMP sequence variant interpretation guidelines (Richards et al. 2015 PMID: 25741868, with internal and published modifications).

NM_001794.5(CDH4):c.2475C>T (p.Gly825=)

Gene: CDH4 (cadherin 4; plus strand). Cytogenetic location: 20q13.33.
Variant type: single nucleotide variant.
Coding change: c.2475C>T on transcript NM_001794.5 (MANE Select); coding-DNA position 2475, C replaced by T.
Protein change: p.Gly825=; no amino-acid change (glycine 825 retained).
Molecular consequence: synonymous variant.
Genome position (GRCh38, 1-based): chr20:61,934,151, C>T. VCF-style: chr20-61934151-C-T. GRCh37 (hg19) VCF-style: chr20-60509209-C-T.
Other names: c.2364C>T, p.Gly788= (NM_001252338.2); c.2253C>T, p.Gly751= (NM_001252339.3).
Identifiers: ClinVar variation 3059978 (VCV003059978.2), dbSNP rs3753045, ClinGen allele CA9935145.
Genomic context (GRCh38, chr20:61,934,151, plus strand): 5'-CATGGGGCACGTGCCAAGCAAAGCCCCTGGCGTGCGTCGCGTGGATGAGCGGCCGGTGGG[C>T]GCTGAGCCCCAGTACCCGATCAGGCCCATGGTGCCGCACCCAGGCGACATCGGTGACTTC-3'
Protein context (NP_001785.2, residues 815-835): GVRRVDERPV[Gly825=]AEPQYPIRPM